The following is an entry in ClinVar:

ClinVar aggregate classification (germline): Uncertain significance (1 of 4 stars; one submission).

Allele frequency attached by ClinVar (database versions not stated): gnomAD exomes below 0.00001; TOPMed below 0.00001; gnomAD 0.00001.
gnomAD v4.1: 2 of 1,586,028 alleles (0.00013%); highest among the groups gnomAD compares: Non-Finnish European, 0.00017%; no homozygotes.

Submission:

Labcorp Genetics (formerly Invitae), Labcorp
Classification: Uncertain significance. Last evaluated: 2024-10-22. Review status: criteria provided, single submitter. Criteria: Invitae Variant Classification Sherloc (09022015). Collection method: clinical testing. Allele origin: germline.
Comment: This sequence change falls in intron 7 of the CD2AP gene. It does not directly change the encoded amino acid sequence of the CD2AP protein. It affects a nucleotide within the consensus splice site. The frequency data for this variant in the population databases is considered unreliable, as metrics indicate poor data quality at this position in the gnomAD database. This variant has not been reported in the literature in individuals affected with CD2AP-related conditions. ClinVar contains an entry for this variant (Variation ID: 2000807). Variants that disrupt the consensus splice site are a relatively common cause of aberrant splicing (PMID: 17576681, 9536098). Algorithms developed to predict the effect of sequence changes on RNA splicing suggest that this variant may disrupt the consensus splice site. In summary, the available evidence is currently insufficient to determine the role of this variant in disease. Therefore, it has been classified as a Variant of Uncertain Significance.

Literature cited by the submitters: PubMed 17576681; PubMed 9536098.

NM_012120.3(CD2AP):c.808+3A>G

Gene: CD2AP (CD2 associated protein; plus strand). Cytogenetic location: 6p12.3.
Variant type: single nucleotide variant.
Coding change: c.808+3A>G on transcript NM_012120.3 (MANE Select); 3 bases into the intron after coding-DNA position 808, A replaced by G.
Molecular consequence: intron variant.
Genome position (GRCh38, 1-based): chr6:47,576,605, A>G. VCF-style: chr6-47576605-A-G. GRCh37 (hg19) VCF-style: chr6-47544341-A-G.
Identifiers: ClinVar variation 2000807 (VCV002000807.4), dbSNP rs1455990580, ClinGen allele CA566933732.